The following is an entry in ClinVar:

NM_000966.6(RARG):c.1280C>T (p.Ser427Leu)

Gene: RARG (retinoic acid receptor gamma; minus strand). Cytogenetic location: 12q13.13.
Variant type: single nucleotide variant.
Coding change: c.1280C>T on transcript NM_000966.6 (MANE Select); coding-DNA position 1280, C replaced by T.
Protein change: p.Ser427Leu; replaces serine 427 with leucine.
Molecular consequence: missense variant.
Genome position (GRCh38, 1-based): chr12:53,211,761, G>A on the plus strand (C>T on the coding strand, the complement: RARG is on the minus strand). VCF-style: chr12-53211761-G-A. GRCh37 (hg19) VCF-style: chr12-53605545-G-A.
Other names: c.1247C>T, p.Ser416Leu (NM_001042728.3); c.1064C>T, p.Ser355Leu (NM_001243730.2); c.917C>T, p.Ser306Leu (NM_001243731.2); c.1214C>T, p.Ser405Leu (NM_001243732.2); short protein forms S306L, S355L, S405L, S416L, S427L.
Identifiers: ClinVar variation 1277170 (VCV001277170.2), dbSNP rs2229774, ClinGen allele CA6596102.

ClinVar aggregate classification (germline): Benign. Review status: criteria provided, multiple submitters, no conflicts (2 of 4 stars). 2 submissions from 2 submitters: Benign (2). Last evaluated 2019-07-11.

Allele frequency attached by ClinVar (database versions not stated): TOPMed 0.06955; gnomAD 0.07058 and 0.07305; ESP Exome Variant Server 0.07297; gnomAD exomes 0.07338; ExAC 0.08091; 1000 Genomes Project 0.08766; 1000 Genomes Project 30x 0.08791.

Submissions (2):

GeneDx
Classification: Benign. Last evaluated: 2019-07-11. Review status: criteria provided, single submitter. Criteria: GeneDx Variant Classification Process June 2021. Collection method: clinical testing. Allele origin: germline. Affected: yes.
Comment: This variant is associated with the following publications: (PMID: 26237429)

Breakthrough Genomics
Classification: Benign. Review status: criteria provided, single submitter. Criteria: ACMG Guidelines, 2015. Collection method: not provided. Allele origin: germline. Inheritance: Unknown mechanism. Affected: yes.